The following is an entry in ClinVar:

NM_000541.5(SAG):c.76-2A>C

Gene: SAG (S-antigen visual arrestin; plus strand). Cytogenetic location: 2q37.1.
Variant type: single nucleotide variant.
Coding change: c.76-2A>C on transcript NM_000541.5 (MANE Select); the canonical splice acceptor site of the intron before coding-DNA position 76, A replaced by C.
Molecular consequence: splice acceptor variant.
Genome position (GRCh38, 1-based): chr2:233,316,073, A>C. VCF-style: chr2-233316073-A-C. GRCh37 (hg19) VCF-style: chr2-234224719-A-C.
Identifiers: ClinVar variation 1067757 (VCV001067757.9), dbSNP rs2125324202, ClinGen allele CA351043563.

ClinVar aggregate classification (germline): Likely pathogenic (1 of 4 stars; one submission).

gnomAD v4.1: 1 of 1,578,208 alleles (0.000063%); highest among the groups gnomAD compares: Non-Finnish European, 0.000087%; no homozygotes.

Submission:

Labcorp Genetics (formerly Invitae), Labcorp
Classification: Likely pathogenic. Last evaluated: 2023-10-03. Review status: criteria provided, single submitter. Criteria: Invitae Variant Classification Sherloc (09022015). Collection method: clinical testing. Allele origin: germline.
Comment: This sequence change affects an acceptor splice site in intron 2 of the SAG gene. It is expected to disrupt RNA splicing. Variants that disrupt the donor or acceptor splice site typically lead to a loss of protein function (PMID: 16199547), and loss-of-function variants in SAG are known to be pathogenic (PMID: 9452120, 15234147, 22665972). This variant is not present in population databases (gnomAD no frequency). This variant has not been reported in the literature in individuals affected with SAG-related conditions. ClinVar contains an entry for this variant (Variation ID: 1067757). Algorithms developed to predict the effect of sequence changes on RNA splicing suggest that this variant may disrupt the consensus splice site. In summary, the currently available evidence indicates that the variant is pathogenic, but additional data are needed to prove that conclusively. Therefore, this variant has been classified as Likely Pathogenic.

Literature cited by the submitters: PubMed 16199547; PubMed 9452120; PubMed 15234147; PubMed 22665972.